The following is an entry in ClinVar:

NM_004273.5(CHST3):c.*2349A>C

Gene: CHST3 (carbohydrate sulfotransferase 3; plus strand). Cytogenetic location: 10q22.1.
Variant type: single nucleotide variant.
Coding change: c.*2349A>C on transcript NM_004273.5 (MANE Select); 2349 bases downstream of the stop codon, A replaced by C.
Molecular consequence: 3 prime UTR variant.
Genome position (GRCh38, 1-based): chr10:72,010,820, A>C. VCF-style: chr10-72010820-A-C. GRCh37 (hg19) VCF-style: chr10-73770578-A-C.
Identifiers: ClinVar variation 880223 (VCV000880223.5), dbSNP rs4148948, ClinGen allele CA209480188.
Genomic context (GRCh38, chr10:72,010,820, plus strand): 5'-CTGGCCGTTCTTCCCCAGCCTCCCCACTGCTCCCTCCTCTGTTCCCCATGTGGAGGTCGG[A>C]GGGGCTGGGACTGGGGAGGGGGCAGCCACCTCCATCCAAGGCTCTTCCTAGGGGCCCTGC-3'

ClinVar aggregate classification (germline): Likely benign. Review status: criteria provided, multiple submitters, no conflicts (2 of 4 stars). 2 submissions from 2 submitters: Likely benign (2). Last evaluated 2018-01-13.

Conditions:
Spondyloepiphyseal dysplasia with congenital joint dislocations (SEDCJD). Also called: Chondrodysplasia with Congenital Joint Dislocations, CHST3-Related. Identifiers: Orphanet 263463, MedGen C1837657, MONDO:0007738, OMIM 143095.

Allele frequency attached by ClinVar (database versions not stated): 1000 Genomes Project 0.00459; 1000 Genomes Project 30x 0.00765.

Submissions (2):

Illumina Laboratory Services, Illumina
Classification: Likely benign for Spondyloepiphyseal dysplasia with congenital joint dislocations. Last evaluated: 2018-01-13. Review status: criteria provided, single submitter. Criteria: ICSL Variant Classification Criteria 13 December 2019. Collection method: clinical testing. Allele origin: germline.
Comment: This variant was observed in the ICSL laboratory as part of a predisposition screen in an ostensibly healthy population. It had not been previously curated by ICSL or reported in the Human Gene Mutation Database (HGMD: prior to June 1st, 2018), and was therefore a candidate for classification through an automated scoring system. Utilizing variant allele frequency, disease prevalence and penetrance estimates, and inheritance mode, an automated score was calculated to assess if this variant is too frequent to cause the disease. Based on the score and internal cut-off values, a variant classified as likely benign is not then subjected to further curation. The score for this variant resulted in a classification of likely benign for this disease.

Breakthrough Genomics
Classification: Likely benign. Review status: criteria provided, single submitter. Criteria: ACMG Guidelines, 2015. Collection method: not provided. Allele origin: germline. Inheritance: Autosomal recessive inheritance. Affected: yes.